The following is an entry in ClinVar:

ClinVar aggregate classification (germline): Benign. Review status: criteria provided, multiple submitters, no conflicts (2 of 4 stars). 5 submissions from 5 submitters: Benign (5). Last evaluated 2026-02-03.

Conditions:
Cardiovascular phenotype. Identifiers: MedGen CN230736.
Long QT syndrome (LQTS). Identifiers: MedGen C0023976, MeSH D008133, MONDO:0002442. Disease mechanism: loss of function. Inheritance: Various modes of inheritance.
Long QT syndrome 12 (LQT12). Identifiers: Orphanet 101016, Orphanet 768, MedGen C2751830, MONDO:0013062, OMIM 612955.

Allele frequency attached by ClinVar (database versions not stated): 1000 Genomes Project 0.00719; 1000 Genomes Project 30x 0.00750; gnomAD 0.00969 and 0.01006; TOPMed 0.00983; gnomAD exomes 0.01052 and 0.01531; ExAC 0.01067; ESP Exome Variant Server 0.01415.
gnomAD v4.1: 23,819 of 1,613,964 alleles (1.5%); highest among the groups gnomAD compares: Non-Finnish European, 1.7%; 227 homozygotes.

Submissions (5):

Labcorp Genetics (formerly Invitae), Labcorp
Classification: Benign for Long QT syndrome. Last evaluated: 2026-02-03. Review status: criteria provided, single submitter. Criteria: Invitae Variant Classification Sherloc (09022015). Collection method: clinical testing. Allele origin: germline.

ARUP Laboratories, Molecular Genetics and Genomics, ARUP Laboratories
Classification: Benign for Long QT syndrome 12. Last evaluated: 2023-11-08. Review status: criteria provided, single submitter. Criteria: ARUP Molecular Germline Variant Investigation Process 2024. Collection method: clinical testing. Allele origin: germline.

Illumina Laboratory Services, Illumina
Classification: Benign for Long QT syndrome 12. Last evaluated: 2018-01-12. Review status: criteria provided, single submitter. Criteria: ICSL Variant Classification Criteria 13 December 2019. Collection method: clinical testing. Allele origin: germline.
Comment: This variant was observed in the ICSL laboratory as part of a predisposition screen in an ostensibly healthy population. It had not been previously curated by ICSL or reported in the Human Gene Mutation Database (HGMD: prior to June 1st, 2018), and was therefore a candidate for classification through an automated scoring system. Utilizing variant allele frequency, disease prevalence and penetrance estimates, and inheritance mode, an automated score was calculated to assess if this variant is too frequent to cause the disease. Based on the score and internal cut-off values, a variant classified as benign is not then subjected to further curation. The score for this variant resulted in a classification of benign for this disease.

Ambry Genetics
Classification: Benign for Cardiovascular phenotype. Last evaluated: 2016-01-14. Review status: criteria provided, single submitter. Criteria: Ambry Variant Classification Scheme 2023. Collection method: clinical testing. Allele origin: germline.

GeneDx
Classification: Benign. Last evaluated: 2015-03-03. Review status: criteria provided, single submitter. Criteria: GeneDx Variant Classification Process June 2021. Collection method: clinical testing. Allele origin: germline. Affected: yes.

NM_003098.3(SNTA1):c.828G>A (p.Lys276=)

Gene: SNTA1 (syntrophin alpha 1; minus strand). Cytogenetic location: 20q11.21.
Variant type: single nucleotide variant.
Coding change: c.828G>A on transcript NM_003098.3 (MANE Select); coding-DNA position 828, G replaced by A.
Protein change: p.Lys276=; no amino-acid change (lysine 276 retained).
Molecular consequence: synonymous variant.
Genome position (GRCh38, 1-based): chr20:33,412,656, C>T on the plus strand (G>A on the coding strand, the complement: SNTA1 is on the minus strand). VCF-style: chr20-33412656-C-T. GRCh37 (hg19) VCF-style: chr20-32000462-C-T.
Identifiers: ClinVar variation 220958 (VCV000220958.29), dbSNP rs35938843, ClinGen allele CA349170.